The following is an entry in ClinVar:

NM_003560.4(PLA2G6):c.2260G>A (p.Gly754Ser)

Gene: PLA2G6 (phospholipase A2 group VI; minus strand). Cytogenetic location: 22q13.1.
Variant type: single nucleotide variant.
Coding change: c.2260G>A on transcript NM_003560.4 (MANE Select); coding-DNA position 2260, G replaced by A.
Protein change: p.Gly754Ser; replaces glycine 754 with serine.
Molecular consequence: missense variant.
Genome position (GRCh38, 1-based): chr22:38,112,520, C>T on the plus strand (G>A on the coding strand, the complement: PLA2G6 is on the minus strand). VCF-style: chr22-38112520-C-T. GRCh37 (hg19) VCF-style: chr22-38508527-C-T.
Other names: c.2098G>A, p.Gly700Ser (NM_001004426.3, NM_001199562.3, NM_001349865.2 and 1 more transcripts); c.2260G>A, p.Gly754Ser (NM_001349864.2); c.1726G>A, p.Gly576Ser (NM_001349867.2); c.1582G>A, p.Gly528Ser (NM_001349868.2); c.1564G>A, p.Gly522Ser (NM_001349869.2); short protein forms G528S, G576S, G700S, G522S, G754S.
Identifiers: ClinVar variation 1362966 (VCV001362966.3), dbSNP rs963927447, ClinGen allele CA324177628.

ClinVar aggregate classification (germline): Uncertain significance (1 of 4 stars; one submission).

Conditions:
Infantile neuroaxonal dystrophy (NBIA2A). Also called: NEURODEGENERATION WITH BRAIN IRON ACCUMULATION 2A; SEITELBERGER DISEASE; Infantile neuroaxonal dystrophy 1. Identifiers: Orphanet 35069, MedGen C0270724, MONDO:0024457, OMIM 256600.

Allele frequency attached by ClinVar (database versions not stated): gnomAD exomes 0.00003 and 0.00001; TOPMed 0.00002; gnomAD 0.00003.

Submission:

Labcorp Genetics (formerly Invitae), Labcorp
Classification: Uncertain significance for Infantile neuroaxonal dystrophy. Last evaluated: 2022-08-11. Review status: criteria provided, single submitter. Criteria: Invitae Variant Classification Sherloc (09022015). Collection method: clinical testing. Allele origin: germline.
Comment: This sequence change replaces glycine, which is neutral and non-polar, with serine, which is neutral and polar, at codon 754 of the PLA2G6 protein (p.Gly754Ser). The frequency data for this variant in the population databases is considered unreliable, as metrics indicate poor data quality at this position in the gnomAD database. This variant has not been reported in the literature in individuals affected with PLA2G6-related conditions. ClinVar contains an entry for this variant (Variation ID: 1362966). Advanced modeling of protein sequence and biophysical properties (such as structural, functional, and spatial information, amino acid conservation, physicochemical variation, residue mobility, and thermodynamic stability) performed at Invitae indicates that this missense variant is not expected to disrupt PLA2G6 protein function. Algorithms developed to predict the effect of sequence changes on RNA splicing suggest that this variant may create or strengthen a splice site. In summary, the available evidence is currently insufficient to determine the role of this variant in disease. Therefore, it has been classified as a Variant of Uncertain Significance.